The following is an entry in ClinVar:

ClinVar aggregate classification (germline): Conflicting classifications of pathogenicity. Review status: criteria provided, conflicting classifications (1 of 4 stars). 3 submissions from 3 submitters: Uncertain significance (2); Likely benign (1). Last evaluated 2024-09-17.

Conditions:
Hereditary cancer-predisposing syndrome. Also called: Hereditary Cancer Syndrome; Hereditary neoplastic syndrome; Neoplastic Syndromes, Hereditary; Tumor predisposition. Identifiers: Orphanet 140162, MedGen C0027672, MeSH D009386, MONDO:0015356.
Hereditary breast ovarian cancer syndrome. Also called: Hereditary breast and ovarian cancer syndrome (HBOC); Hereditary breast and ovarian cancer syndrome; Breast and ovarian cancer; Hereditary breast and/or ovarian cancer syndrome; Hereditary breast and ovarian cancer; BRCA1- and BRCA2-Associated Hereditary Breast and Ovarian Cancer. Identifiers: Orphanet 145, MedGen C0677776, MeSH D061325, MONDO:0003582. Disease mechanism: loss of function.

Submissions (3):

Labcorp Genetics (formerly Invitae), Labcorp
Classification: Uncertain significance for Hereditary breast ovarian cancer syndrome. Last evaluated: 2024-09-17. Review status: criteria provided, single submitter. Criteria: Invitae Variant Classification Sherloc (09022015). Collection method: clinical testing. Allele origin: germline.
Comment: This sequence change replaces valine, which is neutral and non-polar, with glycine, which is neutral and non-polar, at codon 1497 of the BRCA2 protein (p.Val1497Gly). This variant is not present in population databases (gnomAD no frequency). This variant has not been reported in the literature in individuals affected with BRCA2-related conditions. ClinVar contains an entry for this variant (Variation ID: 1740971). Invitae Evidence Modeling of protein sequence and biophysical properties (such as structural, functional, and spatial information, amino acid conservation, physicochemical variation, residue mobility, and thermodynamic stability) indicates that this missense variant is not expected to disrupt BRCA2 protein function with a negative predictive value of 95%. In summary, the available evidence is currently insufficient to determine the role of this variant in disease. Therefore, it has been classified as a Variant of Uncertain Significance.

University of Washington Department of Laboratory Medicine, University of Washington
Classification: Likely benign for Hereditary cancer-predisposing syndrome. Last evaluated: 2023-03-23. Review status: criteria provided, single submitter. Criteria: Dines et al. (Genet Med. 2020). Collection method: curation. Allele origin: germline.
Comment: Missense variant in a coldspot region where missense variants are very unlikely to be pathogenic (PMID:31911673).

BRCA2 exon 11 coldspot. Reclassification based on statistical prior probability.

Ambry Genetics
Classification: Uncertain significance for Hereditary cancer-predisposing syndrome. Last evaluated: 2022-07-02. Review status: criteria provided, single submitter. Criteria: Ambry Variant Classification Scheme 2023. Collection method: clinical testing. Allele origin: germline.
Comment: The p.V1497G variant (also known as c.4490T>G), located in coding exon 10 of the BRCA2 gene, results from a T to G substitution at nucleotide position 4490. The valine at codon 1497 is replaced by glycine, an amino acid with dissimilar properties. This amino acid position is conserved. In addition, this alteration is predicted to be tolerated by in silico analysis. Since supporting evidence is limited at this time, the clinical significance of this alteration remains unclear.

NM_000059.4(BRCA2):c.4490T>G (p.Val1497Gly)

Gene: BRCA2 (BRCA2 DNA repair associated; plus strand). Cytogenetic location: 13q13.1.
Variant type: single nucleotide variant.
Coding change: c.4490T>G on transcript NM_000059.4 (MANE Select); coding-DNA position 4490, T replaced by G.
Protein change: p.Val1497Gly; replaces valine 1497 with glycine.
Molecular consequence: missense variant.
Genome position (GRCh38, 1-based): chr13:32,338,845, T>G. VCF-style: chr13-32338845-T-G. GRCh37 (hg19) VCF-style: chr13-32912982-T-G.
Other names: c.4490T>G, p.Val1497Gly (NM_001406719.1, NM_001406720.1); short protein forms V1497G.
Identifiers: ClinVar variation 1740971 (VCV001740971.9), dbSNP rs80358681, ClinGen allele CA387781544.